The following is an entry in ClinVar:

NM_000368.5(TSC1):c.2102_2105delinsTATGCAAA (p.Gln701fs)

Gene: TSC1 (TSC complex subunit 1; minus strand). Cytogenetic location: 9q34.13.
Variant type: Indel.
Coding change: c.2102_2105delinsTATGCAAA on transcript NM_000368.5 (MANE Select); coding-DNA positions 2102 to 2105, AGTT replaced by TATGCAAA.
Protein change: p.Gln701fs; shifts the reading frame from glutamine 701.
Molecular consequence: frameshift variant. On other transcripts: non-coding transcript variant (4).
Genome position (GRCh38, 1-based): chr9:132,903,754-132,903,757, AACT replaced by TTTGCATA on the plus strand (AGTT replaced by TATGCAAA on the coding strand, the reverse complement: TSC1 is on the minus strand). VCF-style: chr9-132903754-AACT-TTTGCATA. GRCh37 (hg19) VCF-style: chr9-135779141-AACT-TTTGCATA.
Other names: c.2099_2102delinsTATGCAAA, p.Gln700fs (NM_001162426.2, NM_001406597.1, NM_001406598.1 and 4 more transcripts); c.1949_1952delinsTATGCAAA, p.Gln650fs (NM_001162427.2, NM_001406610.1); c.1739_1742delinsTATGCAAA, p.Gln580fs (NM_001362177.2, NM_001406614.1, NM_001406615.1 and 5 more transcripts); c.2102_2105delinsTATGCAAA, p.Gln701fs (NM_001406592.1, NM_001406593.1, NM_001406594.1 and 5 more transcripts); c.2087_2090delinsTATGCAAA, p.Gln696fs (NM_001406601.1, NM_001406602.1); c.2084_2087delinsTATGCAAA, p.Gln695fs (NM_001406603.1, NM_001406604.1); c.1946_1949delinsTATGCAAA, p.Gln649fs (NM_001406611.1, NM_001406612.1, NM_001406613.1); c.1736_1739delinsTATGCAAA, p.Gln579fs (NM_001406620.1, NM_001406621.1, NM_001406622.1 and 2 more transcripts); and 3 more; short protein forms Q383fs, Q384fs, Q579fs, Q649fs, Q650fs, Q700fs, Q701fs, Q350fs.
Identifiers: ClinVar variation 4553983 (VCV004553983.1).

ClinVar aggregate classification (germline): Pathogenic (1 of 4 stars; one submission).

Conditions:
Hereditary cancer-predisposing syndrome. Also called: Tumor predisposition; Hereditary Cancer Syndrome; Hereditary neoplastic syndrome; Neoplastic Syndromes, Hereditary. Identifiers: Orphanet 140162, MedGen C0027672, MeSH D009386, MONDO:0015356.

Submission:

Ambry Genetics
Classification: Pathogenic for Hereditary cancer-predisposing syndrome. Last evaluated: 2025-09-15. Review status: criteria provided, single submitter. Criteria: Ambry Variant Classification Scheme 2023. Collection method: clinical testing. Allele origin: germline.
Comment: The c.2102_2105delAGTTinsTATGCAAA pathogenic mutation, located in coding exon 15 of the TSC1 gene, results from the deletion of 4 nucleotides and insertion of 8 nucleotides causing a translational frameshift with a predicted alternate stop codon (p.Q701Lfs*6). This variant was reported in individual(s) with features consistent with tuberous sclerosis complex (Ambry internal data). This variant is considered to be rare based on population cohorts in the Genome Aggregation Database (gnomAD). This alteration is expected to result in loss of function by premature protein truncation or nonsense-mediated mRNA decay. As such, this alteration is interpreted as a disease-causing mutation.